The following is an entry in ClinVar:

NM_000465.4(BARD1):c.1446G>C (p.Gln482His)

Gene: BARD1 (BRCA1 associated RING domain 1; minus strand). Cytogenetic location: 2q35.
Variant type: single nucleotide variant.
Coding change: c.1446G>C on transcript NM_000465.4 (MANE Select); coding-DNA position 1446, G replaced by C.
Protein change: p.Gln482His; replaces glutamine 482 with histidine.
Molecular consequence: missense variant. On other transcripts: non-coding transcript variant (3), intron variant (3).
Genome position (GRCh38, 1-based): chr2:214,767,604, C>G on the plus strand (G>C on the coding strand, the complement: BARD1 is on the minus strand). VCF-style: chr2-214767604-C-G. GRCh37 (hg19) VCF-style: chr2-215632328-C-G.
Other names: c.1389G>C, p.Gln463His (NM_001282543.2); c.159-15049G>C (NM_001282548.2); c.216-15049G>C (NM_001282545.2); c.364+24693G>C (NM_001282549.2); short protein forms Q463H, Q482H.
Identifiers: ClinVar variation 1011555 (VCV001011555.12), dbSNP rs1694273946, ClinGen allele CA350448546.

ClinVar aggregate classification (germline): Uncertain significance. Review status: criteria provided, multiple submitters, no conflicts (2 of 4 stars). 2 submissions from 2 submitters: Uncertain significance (2). Last evaluated 2022-08-03.

Conditions:
Hereditary cancer-predisposing syndrome. Also called: Hereditary Cancer Syndrome; Tumor predisposition; Neoplastic Syndromes, Hereditary; Hereditary neoplastic syndrome. Identifiers: Orphanet 140162, MedGen C0027672, MeSH D009386, MONDO:0015356.
Familial cancer of breast. Also called: BREAST CANCER, FAMILIAL; Hereditary breast cancer; hereditary breast carcinoma. Identifiers: Orphanet 227535, MedGen C0346153, MONDO:0016419, OMIM 114480. Disease mechanism: loss of function.

Submissions (2):

Ambry Genetics
Classification: Uncertain significance for Hereditary cancer-predisposing syndrome. Last evaluated: 2022-08-03. Review status: criteria provided, single submitter. Criteria: Ambry Variant Classification Scheme 2023. Collection method: clinical testing. Allele origin: germline.
Comment: The p.Q482H variant (also known as c.1446G>C), located in coding exon 6 of the BARD1 gene, results from a G to C substitution at nucleotide position 1446. The glutamine at codon 482 is replaced by histidine, an amino acid with highly similar properties. This amino acid position is conserved. In addition, this alteration is predicted to be tolerated by in silico analysis. Since supporting evidence is limited at this time, the clinical significance of this alteration remains unclear.

Labcorp Genetics (formerly Invitae), Labcorp
Classification: Uncertain significance for Familial cancer of breast. Last evaluated: 2021-03-09. Review status: criteria provided, single submitter. Criteria: Invitae Variant Classification Sherloc (09022015). Collection method: clinical testing. Allele origin: germline.
Comment: This sequence change replaces glutamine with histidine at codon 482 of the BARD1 protein (p.Gln482His). The glutamine residue is highly conserved and there is a small physicochemical difference between glutamine and histidine. This variant has not been reported in the literature in individuals with BARD1-related disease. This variant is not present in population databases (ExAC no frequency). Algorithms developed to predict the effect of missense changes on protein structure and function do not agree on the potential impact of this missense change (SIFT: "Deleterious"; PolyPhen-2: "Possibly Damaging"; Align-GVGD: "Class C0"). In summary, the available evidence is currently insufficient to determine the role of this variant in disease. Therefore, it has been classified as a Variant of Uncertain Significance.